The following is an entry in ClinVar:

ClinVar aggregate classification (germline): Uncertain significance (1 of 4 stars; one submission).

Allele frequency attached by ClinVar (database versions not stated): gnomAD exomes below 0.00001; gnomAD 0.00001; TOPMed 0.00001.
gnomAD v4.1: 4 of 1,557,708 alleles (0.00026%); highest among the groups gnomAD compares: Non-Finnish European, 0.00035%; no homozygotes.

Submission:

Labcorp Genetics (formerly Invitae), Labcorp
Classification: Uncertain significance. Last evaluated: 2022-07-24. Review status: criteria provided, single submitter. Criteria: Invitae Variant Classification Sherloc (09022015). Collection method: clinical testing. Allele origin: germline.
Comment: In summary, the available evidence is currently insufficient to determine the role of this variant in disease. Therefore, it has been classified as a Variant of Uncertain Significance. Algorithms developed to predict the effect of missense changes on protein structure and function are either unavailable or do not agree on the potential impact of this missense change (SIFT: "Deleterious"; PolyPhen-2: "Benign"; Align-GVGD: "Class C0"). This variant has not been reported in the literature in individuals affected with MAST1-related conditions. The frequency data for this variant in the population databases is considered unreliable, as metrics indicate poor data quality at this position in the gnomAD database. This sequence change replaces serine, which is neutral and polar, with phenylalanine, which is neutral and non-polar, at codon 1362 of the MAST1 protein (p.Ser1362Phe).

NM_014975.3(MAST1):c.4085C>T (p.Ser1362Phe)

Gene: MAST1 (microtubule associated serine/threonine kinase 1; plus strand). Cytogenetic location: 19p13.13.
Variant type: single nucleotide variant.
Coding change: c.4085C>T on transcript NM_014975.3 (MANE Select); coding-DNA position 4085, C replaced by T.
Protein change: p.Ser1362Phe; replaces serine 1362 with phenylalanine.
Molecular consequence: missense variant.
Genome position (GRCh38, 1-based): chr19:12,874,242, C>T. VCF-style: chr19-12874242-C-T. GRCh37 (hg19) VCF-style: chr19-12985056-C-T.
Other names: short protein forms S1362F.
Identifiers: ClinVar variation 1952199 (VCV001952199.5), dbSNP rs1359279401, ClinGen allele CA404289878.
Genomic context (GRCh38, chr19:12,874,242, plus strand): 5'-CGGACCCGTTGCTGCCCGAGGGTGCCTCCAGGCCACCAGTGTCGAGCAAGGAGAAGGAAT[C>T]CCCGGGGGGCGCCGAGGCGTGCACCCCACCCCGCGCGACGACCCCCGGTGGCCGGACCCT-3'
Protein context (NP_055790.1, residues 1352-1372): RPPVSSKEKE[Ser1362Phe]PGGAEACTPP